The following is an entry in ClinVar:

NM_000506.5(F2):c.124C>T (p.Arg42Trp)

Gene: F2 (coagulation factor II, thrombin; plus strand). Cytogenetic location: 11p11.2.
Variant type: single nucleotide variant.
Coding change: c.124C>T on transcript NM_000506.5 (MANE Select); coding-DNA position 124, C replaced by T.
Protein change: p.Arg42Trp; replaces arginine 42 with tryptophan.
Molecular consequence: missense variant.
Genome position (GRCh38, 1-based): chr11:46,719,746, C>T. VCF-style: chr11-46719746-C-T. GRCh37 (hg19) VCF-style: chr11-46741296-C-T.
Other names: short protein forms R42W.
Identifiers: ClinVar variation 2735583 (VCV002735583.5), dbSNP rs2502815919, ClinGen allele CA380260400.

ClinVar aggregate classification (germline): Conflicting classifications of pathogenicity. Review status: criteria provided, conflicting classifications (1 of 4 stars). 2 submissions from 2 submitters: Pathogenic (1); Uncertain significance (1). Last evaluated 2025-01-30.

Conditions:
Congenital prothrombin deficiency. Also called: Inherited hypoprothrombinemia; Congenital factor II deficiency; Inherited prothrombin deficiency; Factor II deficiency; HYPOPROTHROMBINEMIA; Hereditary factor II deficiency disease. Identifiers: Orphanet 325, MedGen C0272317, MONDO:0013361, OMIM 613679.

Allele frequency attached by ClinVar (database versions not stated): gnomAD exomes below 0.00001.
gnomAD v4.1: 3 of 1,596,042 alleles (0.00019%); highest among the groups gnomAD compares: Non-Finnish European, 0.00026%; no homozygotes.

Submissions (2):

Women's Health and Genetics/Laboratory Corporation of America, LabCorp
Classification: Pathogenic for Congenital prothrombin deficiency. Last evaluated: 2025-01-30. Review status: criteria provided, single submitter. Criteria: LabCorp Variant Classification Summary - May 2015. Collection method: clinical testing. Allele origin: germline.
Comment: Variant summary: F2 c.124C>T (p.Arg42Trp), also referred to as p.Arg2Trp, results in a non-conservative amino acid change located in the Gamma-carboxyglutamic acid-rich (GLA) domain (IPR000294) of the encoded protein sequence. Five of five in-silico tools predict a damaging effect of the variant on protein function. The variant was absent in 218516 control chromosomes. c.124C>T has been reported in the literature in the homozygous state in at least three individuals affected with Prothrombin Deficiency from two unrelated families (e.g. Akhavan_2000). These data indicate that the variant is very likely to be associated with disease. To our knowledge, no experimental evidence demonstrating an impact on protein function has been reported. The following publication has been ascertained in the context of this evaluation (PMID: 11154146). ClinVar contains an entry for this variant (Variation ID: 2735583). Based on the evidence outlined above, the variant was classified as pathogenic.

Labcorp Genetics (formerly Invitae), Labcorp
Classification: Uncertain significance for Congenital prothrombin deficiency. Last evaluated: 2024-01-18. Review status: criteria provided, single submitter. Criteria: Invitae Variant Classification Sherloc (09022015). Collection method: clinical testing. Allele origin: germline.
Comment: This sequence change replaces arginine, which is basic and polar, with tryptophan, which is neutral and slightly polar, at codon 42 of the F2 protein (p.Arg42Trp). This variant is not present in population databases (gnomAD no frequency). This missense change has been observed in individuals with prothrombin deficiency (PMID: 11154146). An algorithm developed to predict the effect of missense changes on protein structure and function (PolyPhen-2) suggests that this variant is likely to be disruptive. In summary, the available evidence is currently insufficient to determine the role of this variant in disease. Therefore, it has been classified as a Variant of Uncertain Significance.

Literature cited by the submitters: PubMed 11154146 (cited by Women's Health and Genetics/Laboratory Corporation of America, LabCorp and Labcorp Genetics (formerly Invitae), Labcorp).